The following is an entry in ClinVar:

ClinVar aggregate classification (germline): Pathogenic/Likely pathogenic. Review status: criteria provided, multiple submitters, no conflicts (2 of 4 stars). 4 submissions from 4 submitters: Pathogenic (2); Likely pathogenic (1). 1 of the submissions does not count toward it. Last evaluated 2025-03-25.

Conditions:
Cone-rod dystrophy and hearing loss 2 (CRDHL2). Identifiers: MedGen C5193051, MONDO:0020780, OMIM 618358.
CEP250-related disorder. Also called: CEP250-related condition.

Allele frequency attached by ClinVar (database versions not stated): TOPMed 0.00001; gnomAD exomes 0.00011 and 0.00029; gnomAD 0.00017 and 0.00019; ExAC 0.00030.
gnomAD v4.1: 185 of 1,590,834 alleles (0.012%); highest among the groups gnomAD compares: Admixed American, 0.0018%; no homozygotes.

Submissions (4):

PreventionGenetics, part of Exact Sciences
Classification: Likely pathogenic for CEP250-related condition. Last evaluated: 2025-03-25. Review status: criteria provided, single submitter. Criteria: ACMG Guidelines, 2015. Collection method: clinical testing. Allele origin: germline.
Comment: The CEP250 c.5959C>T variant is predicted to result in premature protein termination (p.Gln1987*). This variant was reported in the homozygous state in two siblings with atypical Usher syndrome (Igelman et al. 2021. PubMed ID: 34223797). This variant is reported in 0.30% of alleles in individuals of European (Finnish) descent in gnomAD. Nonsense variants in CEP250 are expected to be pathogenic. This variant is interpreted as likely pathogenic.

Blueprint Genetics
Classification: Pathogenic for CEP250-related disorders. Last evaluated: 2024-09-11. Review status: criteria provided, single submitter. Criteria: ACMG Guidelines, 2015. Collection method: clinical testing. Allele origin: germline. Affected: yes. Observed: 5 variant alleles.

Labcorp Genetics (formerly Invitae), Labcorp
Classification: Pathogenic. Last evaluated: 2020-08-01. Review status: criteria provided, single submitter. Criteria: Invitae Variant Classification Sherloc (09022015). Collection method: clinical testing. Allele origin: germline.
Comment: This variant is present in population databases (rs200263031, ExAC 0.4%). For these reasons, this variant has been classified as Pathogenic. Loss-of-function variants in CEP250 are known to be pathogenic (PMID: 24780881, 29718797). This variant has not been reported in the literature in individuals with CEP250-related conditions. This sequence change creates a premature translational stop signal (p.Gln1987*) in the CEP250 gene. It is expected to result in an absent or disrupted protein product.

OMIM
Classification: Pathogenic for CONE-ROD DYSTROPHY AND HEARING LOSS 2. Last evaluated: 2024-09-09. Review status: no assertion criteria provided. Collection method: literature only. Allele origin: germline. Not counted in ClinVar's aggregate classification.

Literature cited by the submitters: PubMed 24780881 (cited by Labcorp Genetics (formerly Invitae), Labcorp); PubMed 29718797 (cited by Labcorp Genetics (formerly Invitae), Labcorp); PubMed 34223797 (cited by OMIM).

NM_007186.6(CEP250):c.5959C>T (p.Gln1987Ter)

Gene: CEP250 (centrosomal protein 250; plus strand). Cytogenetic location: 20q11.22.
Variant type: single nucleotide variant.
Coding change: c.5959C>T on transcript NM_007186.6 (MANE Select); coding-DNA position 5959, C replaced by T.
Protein change: p.Gln1987Ter; replaces glutamine 1987 with a stop codon.
Molecular consequence: nonsense.
Genome position (GRCh38, 1-based): chr20:35,504,328, C>T. VCF-style: chr20-35504328-C-T. GRCh37 (hg19) VCF-style: chr20-34092156-C-T.
Other names: c.4063C>T, p.Gln1355Ter (NM_001318219.1); c.5959C>T (NM_007186.5); short protein forms Q1355*, Q1987*.
Identifiers: ClinVar variation 1071914 (VCV001071914.9), dbSNP rs200263031, ClinGen allele CA9833973.